The following is an entry in ClinVar:

ClinVar aggregate classification (germline): Uncertain significance (1 of 4 stars; one submission).

Conditions:
Primary ciliary dyskinesia. Also called: Ciliary dyskinesia. Identifiers: Orphanet 244, MedGen C0008780, MONDO:0016575, HP:0012265.

gnomAD v4.1: 2 of 1,612,994 alleles (0.00012%); highest among the groups gnomAD compares: African/African-American, 0.0013%; no homozygotes.

Submission:

Labcorp Genetics (formerly Invitae), Labcorp
Classification: Uncertain significance for Primary ciliary dyskinesia. Last evaluated: 2024-03-11. Review status: criteria provided, single submitter. Criteria: Invitae Variant Classification Sherloc (09022015). Collection method: clinical testing. Allele origin: germline.
Comment: This sequence change replaces threonine, which is neutral and polar, with alanine, which is neutral and non-polar, at codon 1303 of the DNAH11 protein (p.Thr1303Ala). This variant is not present in population databases (gnomAD no frequency). This variant has not been reported in the literature in individuals affected with DNAH11-related conditions. ClinVar contains an entry for this variant (Variation ID: 2165003). Advanced modeling of protein sequence and biophysical properties (such as structural, functional, and spatial information, amino acid conservation, physicochemical variation, residue mobility, and thermodynamic stability) performed at Invitae indicates that this missense variant is not expected to disrupt DNAH11 protein function with a negative predictive value of 95%. In summary, the available evidence is currently insufficient to determine the role of this variant in disease. Therefore, it has been classified as a Variant of Uncertain Significance.

NM_001277115.2(DNAH11):c.3907A>G (p.Thr1303Ala)

Gene: DNAH11 (dynein axonemal heavy chain 11; plus strand). Cytogenetic location: 7p15.3.
Variant type: single nucleotide variant.
Coding change: c.3907A>G on transcript NM_001277115.2 (MANE Select); coding-DNA position 3907, A replaced by G.
Protein change: p.Thr1303Ala; replaces threonine 1303 with alanine.
Molecular consequence: missense variant.
Genome position (GRCh38, 1-based): chr7:21,615,168, A>G. VCF-style: chr7-21615168-A-G. GRCh37 (hg19) VCF-style: chr7-21654786-A-G.
Other names: c.3907A>G, p.Thr1303Ala (NM_003777.3); short protein forms T1303A.
Identifiers: ClinVar variation 2165003 (VCV002165003.4), dbSNP rs951199503, ClinGen allele CA155104065.